The following is an entry in ClinVar:

ClinVar aggregate classification (germline): Uncertain significance (1 of 4 stars; one submission).

Submission:

Labcorp Genetics (formerly Invitae), Labcorp
Classification: Uncertain significance. Last evaluated: 2022-03-11. Review status: criteria provided, single submitter. Criteria: Invitae Variant Classification Sherloc (09022015). Collection method: clinical testing. Allele origin: germline.
Comment: This sequence change creates a premature translational stop signal (p.Ile439Serfs*18) in the DDX58 gene. It is expected to result in an absent or disrupted protein product. However, the current clinical and genetic evidence is not sufficient to establish whether loss-of-function variants in DDX58 cause disease. This variant is not present in population databases (gnomAD no frequency). This variant has not been reported in the literature in individuals affected with DDX58-related conditions. Experimental studies and prediction algorithms are not available or were not evaluated, and the functional significance of this variant is currently unknown. In summary, the available evidence is currently insufficient to determine the role of this variant in disease. Therefore, it has been classified as a Variant of Uncertain Significance.

NM_014314.4(RIGI):c.1307_1310dup (p.Ile439fs)

Gene: RIGI (RNA sensor RIG-I; minus strand). Cytogenetic location: 9p21.1.
Variant type: Duplication.
Coding change: c.1307_1310dup on transcript NM_014314.4 (MANE Select); coding-DNA positions 1307 to 1310, 4 bases duplicated (CGTC; older notation c.1307_1310dupCGTC).
Protein change: p.Ile439fs; shifts the reading frame from isoleucine 439.
Molecular consequence: frameshift variant.
Genome position (GRCh38, 1-based): chr9:32,487,536-32,487,539, GACG duplicated on the plus strand (CGTC on the coding strand, the reverse complement: RIGI is on the minus strand). VCF-style (leftmost placement, unchanged base first): chr9-32487535-T-TGACG. GRCh37 (hg19) VCF-style: chr9-32487533-T-TGACG.
Other names: c.1301_1304dup, p.Ile437fs (NM_001385907.1); c.1307_1310dup, p.Ile439fs (NM_001385909.1); c.866_869dup, p.Ile292fs (NM_001385910.1); c.698_701dup, p.Ile236fs (NM_001385912.1); c.1292_1295dup, p.Ile434fs (NM_001385913.1); c.863_866dup, p.Ile291fs (NM_001385914.1); short protein forms I292fs, I434fs, I236fs, I291fs, I437fs, I439fs.
Identifiers: ClinVar variation 2109179 (VCV002109179.4), dbSNP rs2489330019, ClinGen allele CA2580080333.